The following is an entry in ClinVar:

ClinVar aggregate classification (germline): Uncertain significance (1 of 4 stars; one submission).

Conditions:
Early-infantile DEE. Also called: Early infantile epileptic encephalopathy; Ohtahara syndrome; Early infantile epileptic encephalopathy with suppression bursts. Identifiers: Orphanet 1934, MedGen C0393706, MONDO:0800491.

Submission:

Labcorp Genetics (formerly Invitae), Labcorp
Classification: Uncertain significance for Early-infantile DEE. Last evaluated: 2021-05-17. Review status: criteria provided, single submitter. Criteria: Invitae Variant Classification Sherloc (09022015). Collection method: clinical testing. Allele origin: germline.
Comment: In summary, the available evidence is currently insufficient to determine the role of this variant in disease. Therefore, it has been classified as a Variant of Uncertain Significance. Algorithms developed to predict the effect of sequence changes on RNA splicing suggest that this variant may create or strengthen a splice site, but this prediction has not been confirmed by published transcriptional studies. Advanced modeling of protein sequence and biophysical properties (such as structural, functional, and spatial information, amino acid conservation, physicochemical variation, residue mobility, and thermodynamic stability) performed at Invitae indicates that this missense variant is expected to disrupt HCN1 protein function. This variant has not been reported in the literature in individuals with HCN1-related conditions. This variant is not present in population databases (ExAC no frequency). This sequence change replaces glycine with serine at codon 313 of the HCN1 protein (p.Gly313Ser). The glycine residue is highly conserved and there is a small physicochemical difference between glycine and serine.

NM_021072.4(HCN1):c.937G>A (p.Gly313Ser)

Gene: HCN1 (hyperpolarization activated cyclic nucleotide gated potassium channel 1; minus strand). Cytogenetic location: 5p12.
Variant type: single nucleotide variant.
Coding change: c.937G>A on transcript NM_021072.4 (MANE Select); coding-DNA position 937, G replaced by A.
Protein change: p.Gly313Ser; replaces glycine 313 with serine.
Molecular consequence: missense variant.
Genome position (GRCh38, 1-based): chr5:45,461,920, C>T on the plus strand (G>A on the coding strand, the complement: HCN1 is on the minus strand). VCF-style: chr5-45461920-C-T. GRCh37 (hg19) VCF-style: chr5-45462022-C-T.
Other names: short protein forms G313S.
Identifiers: ClinVar variation 1395676 (VCV001395676.9), dbSNP rs2111627146, ClinGen allele CA359704915.